The following is an entry in ClinVar:

NM_002709.3(PPP1CB):c.695G>A (p.Ser232Asn)

Gene: PPP1CB (protein phosphatase 1 catalytic subunit beta; plus strand). Cytogenetic location: 2p23.2.
Variant type: single nucleotide variant.
Coding change: c.695G>A on transcript NM_002709.3 (MANE Select); coding-DNA position 695, G replaced by A.
Protein change: p.Ser232Asn; replaces serine 232 with asparagine.
Molecular consequence: missense variant.
Genome position (GRCh38, 1-based): chr2:28,788,760, G>A. VCF-style: chr2-28788760-G-A. GRCh37 (hg19) VCF-style: chr2-29011626-G-A.
Other names: c.695G>A, p.Ser232Asn (NM_206876.2); short protein forms S232N.
Identifiers: ClinVar variation 2989960 (VCV002989960.3), dbSNP rs1438779667, ClinGen allele CA346583329.

ClinVar aggregate classification (germline): Uncertain significance (1 of 4 stars; one submission).

Allele frequency attached by ClinVar (database versions not stated): TOPMed below 0.00001; gnomAD 0.00001.
gnomAD v4.1: 2 of 1,613,244 alleles (0.00012%); highest among the groups gnomAD compares: African/African-American, 0.0027%; no homozygotes.

Submission:

Labcorp Genetics (formerly Invitae), Labcorp
Classification: Uncertain significance. Last evaluated: 2024-07-25. Review status: criteria provided, single submitter. Criteria: Invitae Variant Classification Sherloc (09022015). Collection method: clinical testing. Allele origin: germline.
Comment: This sequence change replaces serine, which is neutral and polar, with asparagine, which is neutral and polar, at codon 232 of the PPP1CB protein (p.Ser232Asn). This variant is present in population databases (no rsID available, gnomAD 0.01%). This variant has not been reported in the literature in individuals affected with PPP1CB-related conditions. Advanced modeling of protein sequence and biophysical properties (such as structural, functional, and spatial information, amino acid conservation, physicochemical variation, residue mobility, and thermodynamic stability) performed at Invitae indicates that this missense variant is not expected to disrupt PPP1CB protein function with a negative predictive value of 80%. In summary, the available evidence is currently insufficient to determine the role of this variant in disease. Therefore, it has been classified as a Variant of Uncertain Significance.